The following is an entry in ClinVar:

ClinVar aggregate classification (germline): Uncertain significance. Review status: criteria provided, multiple submitters, no conflicts (2 of 4 stars). 3 submissions from 3 submitters: Uncertain significance (3). Last evaluated 2025-08-27.

Allele frequency attached by ClinVar (database versions not stated): gnomAD exomes 0.00005; ExAC 0.00011; TOPMed 0.00041; gnomAD 0.00042; ESP Exome Variant Server 0.00046.
gnomAD v4.1: 136 of 1,614,068 alleles (0.0084%); highest among the groups gnomAD compares: African/African-American, 0.13%; no homozygotes.

Submissions (3):

Ambry Genetics
Classification: Uncertain significance. Last evaluated: 2025-08-27. Review status: criteria provided, single submitter. Criteria: Ambry Variant Classification Scheme 2023. Collection method: clinical testing. Allele origin: germline.

Labcorp Genetics (formerly Invitae), Labcorp
Classification: Uncertain significance. Last evaluated: 2025-03-22. Review status: criteria provided, single submitter. Criteria: Invitae Variant Classification Sherloc (09022015). Collection method: clinical testing. Allele origin: germline.
Comment: This sequence change replaces valine, which is neutral and non-polar, with isoleucine, which is neutral and non-polar, at codon 269 of the GNMT protein (p.Val269Ile). This variant is present in population databases (rs112686919, gnomAD 0.1%), and has an allele count higher than expected for a pathogenic variant. This variant has not been reported in the literature in individuals affected with GNMT-related conditions. ClinVar contains an entry for this variant (Variation ID: 2043793). Invitae Evidence Modeling of protein sequence and biophysical properties (such as structural, functional, and spatial information, amino acid conservation, physicochemical variation, residue mobility, and thermodynamic stability) indicates that this missense variant is not expected to disrupt GNMT protein function with a negative predictive value of 80%. In summary, the available evidence is currently insufficient to determine the role of this variant in disease. Therefore, it has been classified as a Variant of Uncertain Significance.

Breakthrough Genomics
Classification: Uncertain significance. Review status: criteria provided, single submitter. Criteria: ACMG Guidelines, 2015. Collection method: not provided. Allele origin: germline. Inheritance: Autosomal recessive inheritance. Affected: yes.

NM_018960.6(GNMT):c.805G>A (p.Val269Ile)

Genes: CNPY3-GNMT (CNPY3-GNMT readthrough; plus strand), GNMT (glycine N-methyltransferase; plus strand). Cytogenetic location: 6p21.1.
Variant type: single nucleotide variant.
Coding change: c.805G>A on transcript NM_018960.6 (MANE Select); coding-DNA position 805, G replaced by A.
Protein change: p.Val269Ile; replaces valine 269 with isoleucine.
Molecular consequence: missense variant. On other transcripts: non-coding transcript variant (4).
Genome position (GRCh38, 1-based): chr6:42,963,623, G>A. VCF-style: chr6-42963623-G-A. GRCh37 (hg19) VCF-style: chr6-42931361-G-A.
Other names: c.607G>A, p.Val203Ile (NM_001318856.2); c.622G>A, p.Val208Ile (NM_001318857.2); c.514G>A, p.Val172Ile (NM_001318858.2); c.748G>A, p.Val250Ile (NM_001318865.2); short protein forms V172I, V250I, V269I, V208I, V203I.
Identifiers: ClinVar variation 2043793 (VCV002043793.8), dbSNP rs112686919, ClinGen allele CA3810814.